The following is an entry in ClinVar:

NM_001002755.4(NFU1):c.376G>A (p.Glu126Lys)

Gene: NFU1 (NFU1 iron-sulfur cluster scaffold; minus strand). Cytogenetic location: 2p13.3.
Variant type: single nucleotide variant.
Coding change: c.376G>A on transcript NM_001002755.4 (MANE Select); coding-DNA position 376, G replaced by A.
Protein change: p.Glu126Lys; replaces glutamic acid 126 with lysine.
Molecular consequence: missense variant. On other transcripts: 5 prime UTR variant (1), non-coding transcript variant (2).
Genome position (GRCh38, 1-based): chr2:69,415,293, C>T on the plus strand (G>A on the coding strand, the complement: NFU1 is on the minus strand). VCF-style: chr2-69415293-C-T. GRCh37 (hg19) VCF-style: chr2-69642425-C-T.
Other names: c.-48G>A (NM_001002756.2); c.304G>A, p.Glu102Lys (NM_001374284.1, NM_015700.4); short protein forms E102K, E126K.
Identifiers: ClinVar variation 4538163 (VCV004538163.1).

ClinVar aggregate classification (germline): Uncertain significance (1 of 4 stars; one submission).

gnomAD v4.1: 4 of 1,581,662 alleles (0.00025%); highest among the groups gnomAD compares: African/African-American, 0.0054%; no homozygotes.

Submission:

GeneDx
Classification: Uncertain significance. Last evaluated: 2025-06-11. Review status: criteria provided, single submitter. Criteria: GeneDx Variant Classification Process June 2021. Collection method: clinical testing. Allele origin: germline. Affected: yes.
Comment: Not observed at significant frequency in large population cohorts (gnomAD); In silico analysis supports that this missense variant has a deleterious effect on protein structure/function; Has not been previously published as pathogenic or benign to our knowledge